The following is an entry in ClinVar:

NM_022489.4(INF2):c.2319C>T (p.His773=)

Gene: INF2 (inverted formin 2; plus strand). Cytogenetic location: 14q32.33.
Variant type: single nucleotide variant.
Coding change: c.2319C>T on transcript NM_022489.4 (MANE Select); coding-DNA position 2319, C replaced by T.
Protein change: p.His773=; no amino-acid change (histidine 773 retained).
Molecular consequence: synonymous variant. On other transcripts: non-coding transcript variant (1).
Genome position (GRCh38, 1-based): chr14:104,711,087, C>T. VCF-style: chr14-104711087-C-T. GRCh37 (hg19) VCF-style: chr14-105177424-C-T.
Other names: p.His773=; c.2319C>T, p.His773= (NM_001031714.4, NM_001426862.1, NM_001426863.1 and 2 more transcripts).
Identifiers: ClinVar variation 4683941 (VCV004683941.1).

ClinVar aggregate classification (germline): Likely benign (1 of 4 stars; one submission).

gnomAD v4.1: 2 of 1,600,204 alleles (0.00012%); highest among the groups gnomAD compares: African/African-American, 0.0013%; no homozygotes.

Submission:

Mayo Clinic Laboratories, Mayo Clinic
Classification: Likely benign. Last evaluated: 2025-06-16. Review status: criteria provided, single submitter. Criteria: ACMG Guidelines, 2015. Collection method: clinical testing. Allele origin: germline. Observed: 1 variant allele.
Comment: BP4, BP7